The following is an entry in ClinVar:

NM_000540.3(RYR1):c.1490C>T (p.Thr497Ile)

Genes: RYR1 (ryanodine receptor 1; plus strand), LOC129391106 (MPRA-validated peak3472 silencer; plus strand). Cytogenetic location: 19q13.2.
Variant type: single nucleotide variant.
Coding change: c.1490C>T on transcript NM_000540.3 (MANE Select); coding-DNA position 1490, C replaced by T.
Protein change: p.Thr497Ile; replaces threonine 497 with isoleucine.
Molecular consequence: missense variant.
Genome position (GRCh38, 1-based): chr19:38,455,284, C>T. VCF-style: chr19-38455284-C-T. GRCh37 (hg19) VCF-style: chr19-38945924-C-T.
Other names: c.1490C>T, p.Thr497Ile (NM_001042723.2); short protein forms T497I.
Identifiers: ClinVar variation 3387646 (VCV003387646.1).
Genomic context (GRCh38, chr19:38,455,284, plus strand): 5'-CCTCATCCTAGGGGATGCTCTCCATGGTCCTGAATTGCATAGACCGCCTAAATGTCTACA[C>T]CACTGCTGCCCACTTTGCTGAGTTTGCAGGGGAGGAGGCAGCCGAGTCCTGGAAAGAGAT-3'
Protein context (NP_000531.2, residues 487-507): LNCIDRLNVY[Thr497Ile]TAAHFAEFAG

ClinVar aggregate classification (germline): Uncertain significance (1 of 4 stars; one submission).

Conditions:
Malignant hyperthermia, susceptibility to, 1 (MHS1). Also called: Anesthesia related hyperthermia; Malignant hyperpyrexia; Fulminating hyperpyrexia; Pharmacogenic myopathy; RYR1-Related Malignant Hyperthermia Susceptibility; Malignant hyperthermia suceptibility 1. Identifiers: Orphanet 423, MedGen C2930980, MONDO:0007783, OMIM 145600.

gnomAD v4.1: 2 of 1,614,132 alleles (0.00012%); highest among the groups gnomAD compares: African/African-American, 0.0013%; no homozygotes.

Submission:

All of Us Research Program, National Institutes of Health
Classification: Uncertain significance for Malignant hyperthermia, susceptibility to, 1. Last evaluated: 2024-06-09. Review status: criteria provided, single submitter. Criteria: ACMG Guidelines, 2015. Collection method: clinical testing. Allele origin: germline. Inheritance: Autosomal dominant inheritance. Observed: 1 variant allele, 1 heterozygote.
Comment: This missense variant replaces threonine with isoleucine at codon 497 of the RYR1 protein. Computational prediction suggests that this variant may not impact protein structure and function (internally defined REVEL score threshold <= 0.5, PMID: 27666373). To our knowledge, functional studies have not been reported for this variant. This variant has not been reported in individuals affected with RYR1-related disorders in the literature. This variant has not been identified in the general population by the Genome Aggregation Database (gnomAD). The available evidence is insufficient to determine the role of this variant in disease conclusively. Therefore, this variant is classified as a Variant of Uncertain Significance.

This study involves interpretation of variants in research participants for the purpose of population health screening. Participant phenotype was not available at the time of variant classification. Additional details can be found in publication PMID: 35346344, PMCID: PMC8962531